The following is an entry in ClinVar:

NM_182943.3(PLOD2):c.797G>T (p.Gly266Val)

Gene: PLOD2 (procollagen-lysine,2-oxoglutarate 5-dioxygenase 2; minus strand). Cytogenetic location: 3q24.
Variant type: single nucleotide variant.
Coding change: c.797G>T on transcript NM_182943.3 (MANE Select); coding-DNA position 797, G replaced by T.
Protein change: p.Gly266Val; replaces glycine 266 with valine.
Molecular consequence: missense variant.
Genome position (GRCh38, 1-based): chr3:146,091,882, C>A on the plus strand (G>T on the coding strand, the complement: PLOD2 is on the minus strand). VCF-style: chr3-146091882-C-A. GRCh37 (hg19) VCF-style: chr3-145809669-C-A.
Other names: c.797G>T, p.Gly266Val (NM_000935.3); c.797G>T (NM_182943.2); short protein forms G266V.
Identifiers: ClinVar variation 2076023 (VCV002076023.3), dbSNP rs775507911, ClinGen allele CA2655123.

ClinVar aggregate classification (germline): Uncertain significance. Review status: criteria provided, multiple submitters, no conflicts (2 of 4 stars). 2 submissions from 2 submitters: Uncertain significance (2). Last evaluated 2024-07-10.

Allele frequency attached by ClinVar (database versions not stated): ExAC 0.00004; gnomAD exomes 0.00004; gnomAD 0.00006.

Submissions (2):

GeneDx
Classification: Uncertain significance. Last evaluated: 2024-07-10. Review status: criteria provided, single submitter. Criteria: GeneDx Variant Classification Process June 2021. Collection method: clinical testing. Allele origin: germline. Affected: yes.
Comment: In silico analysis supports that this missense variant has a deleterious effect on protein structure/function; In silico analysis is inconclusive as to whether the variant alters gene splicing. In the absence of RNA/functional studies, the actual effect of this sequence change is unknown.; This variant is associated with the following publications: (PMID: Arora2018[CaseReport], 34853049, 31472299)

Labcorp Genetics (formerly Invitae), Labcorp
Classification: Uncertain significance. Last evaluated: 2021-12-21. Review status: criteria provided, single submitter. Criteria: Invitae Variant Classification Sherloc (09022015). Collection method: clinical testing. Allele origin: germline.
Comment: In summary, the available evidence is currently insufficient to determine the role of this variant in disease. Therefore, it has been classified as a Variant of Uncertain Significance. Algorithms developed to predict the effect of missense changes on protein structure and function (SIFT, PolyPhen-2, Align-GVGD) all suggest that this variant is likely to be disruptive. This missense change has been observed in individual(s) with clinical features of PLOD2-related conditions (PMID: 31472299). This variant is present in population databases (rs775507911, gnomAD 0.006%). This sequence change replaces glycine, which is neutral and non-polar, with valine, which is neutral and non-polar, at codon 266 of the PLOD2 protein (p.Gly266Val).

Literature cited by the submitters: PubMed 31472299 (cited by Labcorp Genetics (formerly Invitae), Labcorp).